The following is an entry in ClinVar:

NM_004998.4(MYO1E):c.2246A>T (p.Glu749Val)

Gene: MYO1E (myosin IE; minus strand). Cytogenetic location: 15q22.2.
Variant type: single nucleotide variant.
Coding change: c.2246A>T on transcript NM_004998.4 (MANE Select); coding-DNA position 2246, A replaced by T.
Protein change: p.Glu749Val; replaces glutamic acid 749 with valine.
Molecular consequence: missense variant.
Genome position (GRCh38, 1-based): chr15:59,173,834, T>A on the plus strand (A>T on the coding strand, the complement: MYO1E is on the minus strand). VCF-style: chr15-59173834-T-A. GRCh37 (hg19) VCF-style: chr15-59466033-T-A.
Other names: c.2246A>T (NM_004998.2); short protein forms E749V.
Identifiers: ClinVar variation 1024736 (VCV001024736.7), dbSNP rs201037244, ClinGen allele CA7589316.

ClinVar aggregate classification (germline): Uncertain significance. Review status: criteria provided, multiple submitters, no conflicts (2 of 4 stars). 2 submissions from 2 submitters: Uncertain significance (2). Last evaluated 2025-06-16.

Conditions:
Inborn genetic diseases. Identifiers: MedGen C0950123, MeSH D030342.

Allele frequency attached by ClinVar (database versions not stated): gnomAD exomes 0.00005 and 0.00012; TOPMed 0.00005; gnomAD 0.00006; ExAC 0.00010.
gnomAD v4.1: 92 of 1,613,960 alleles (0.0057%); highest among the groups gnomAD compares: Non-Finnish European, 0.001%; no homozygotes.

Submissions (2):

Labcorp Genetics (formerly Invitae), Labcorp
Classification: Uncertain significance. Last evaluated: 2025-06-16. Review status: criteria provided, single submitter. Criteria: Invitae Variant Classification Sherloc (09022015). Collection method: clinical testing. Allele origin: germline.
Comment: This sequence change replaces glutamic acid, which is acidic and polar, with valine, which is neutral and non-polar, at codon 749 of the MYO1E protein (p.Glu749Val). This variant is present in population databases (rs201037244, gnomAD 0.2%). This variant has not been reported in the literature in individuals affected with MYO1E-related conditions. ClinVar contains an entry for this variant (Variation ID: 1024736). Invitae Evidence Modeling of protein sequence and biophysical properties (such as structural, functional, and spatial information, amino acid conservation, physicochemical variation, residue mobility, and thermodynamic stability) indicates that this missense variant is expected to disrupt MYO1E protein function with a positive predictive value of 80%. In summary, the available evidence is currently insufficient to determine the role of this variant in disease. Therefore, it has been classified as a Variant of Uncertain Significance.

Ambry Genetics
Classification: Uncertain significance for Inborn genetic diseases. Last evaluated: 2023-12-07. Review status: criteria provided, single submitter. Criteria: Ambry Variant Classification Scheme 2023. Collection method: clinical testing. Allele origin: germline.